The following is an entry in ClinVar:

NM_000709.4(BCKDHA):c.1121G>A (p.Trp374Ter)

Gene: BCKDHA (branched chain keto acid dehydrogenase E1 subunit alpha; plus strand). Cytogenetic location: 19q13.2.
Variant type: single nucleotide variant.
Coding change: c.1121G>A on transcript NM_000709.4 (MANE Select); coding-DNA position 1121, G replaced by A.
Protein change: p.Trp374Ter; replaces tryptophan 374 with a stop codon.
Molecular consequence: nonsense.
Genome position (GRCh38, 1-based): chr19:41,423,123, G>A. VCF-style: chr19-41423123-G-A. GRCh37 (hg19) VCF-style: chr19-41929028-G-A.
Other names: c.1118G>A, p.Trp373Ter (NM_001164783.2); short protein forms W373*, W374*.
Identifiers: ClinVar variation 2814673 (VCV002814673.4), dbSNP rs2513461198, ClinGen allele CA406014060.

ClinVar aggregate classification (germline): Pathogenic/Likely pathogenic. Review status: criteria provided, multiple submitters, no conflicts (2 of 4 stars). 2 submissions from 2 submitters: Pathogenic (1); Likely pathogenic (1). Last evaluated 2024-02-28.

Conditions:
Maple syrup urine disease (MSUD). Identifiers: Orphanet 511, MedGen C0024776, MeSH D008375, MONDO:0009563. Disease mechanism: loss of function.
Maple syrup urine disease type 1A (MSUD1A). Also called: MSUD type 1A. Identifiers: MedGen C1855369, MONDO:0023691, OMIM 248600.

Submissions (2):

Fulgent Genetics
Classification: Likely pathogenic for Maple syrup urine disease type 1A. Last evaluated: 2024-02-28. Review status: criteria provided, single submitter. Criteria: ACMG Guidelines, 2015. Collection method: clinical testing. Allele origin: germline.

Labcorp Genetics (formerly Invitae), Labcorp
Classification: Pathogenic for Maple syrup urine disease. Last evaluated: 2022-11-16. Review status: criteria provided, single submitter. Criteria: Invitae Variant Classification Sherloc (09022015). Collection method: clinical testing. Allele origin: germline.
Comment: For these reasons, this variant has been classified as Pathogenic. This variant has not been reported in the literature in individuals affected with BCKDHA-related conditions. This variant is not present in population databases (gnomAD no frequency). This sequence change creates a premature translational stop signal (p.Trp374*) in the BCKDHA gene. It is expected to result in an absent or disrupted protein product. Loss-of-function variants in BCKDHA are known to be pathogenic (PMID: 16786533, 22593002).

Literature cited by the submitters: PubMed 16786533 (cited by Labcorp Genetics (formerly Invitae), Labcorp); PubMed 22593002 (cited by Labcorp Genetics (formerly Invitae), Labcorp).